The following is an entry in ClinVar:

NM_025243.4(SLC19A3):c.*1996T>C

Gene: SLC19A3 (solute carrier family 19 member 3; minus strand). Cytogenetic location: 2q36.3.
Variant type: single nucleotide variant.
Coding change: c.*1996T>C on transcript NM_025243.4 (MANE Select); 1996 bases downstream of the stop codon, T replaced by C.
Molecular consequence: 3 prime UTR variant.
Genome position (GRCh38, 1-based): chr2:227,685,401, A>G on the plus strand (T>C on the coding strand, the complement: SLC19A3 is on the minus strand). VCF-style: chr2-227685401-A-G. GRCh37 (hg19) VCF-style: chr2-228550117-A-G.
Identifiers: ClinVar variation 334837 (VCV000334837.6), dbSNP rs111409314, ClinGen allele CA10612698.
Genomic context (GRCh38, chr2:227,685,401, plus strand): 5'-GCCAAAGCAGGAGAAAGAGAGAGTGGGGAGGTGCTACACACTTTTAAACTACCAGATCTC[A>G]CGATAACTCACTGTCATGAGACCAGCACTGAGGGGACGGTGCCAAACCATTCATGAAGGC-3'

ClinVar aggregate classification (germline): Benign. Review status: criteria provided, multiple submitters, no conflicts (2 of 4 stars). 2 submissions from 2 submitters: Benign (2). Last evaluated 2018-01-12.

Conditions:
Biotin-responsive basal ganglia disease (BTBGD). Also called: Thiamine Transporter-2 Deficiency; THIAMINE METABOLISM DYSFUNCTION SYNDROME 2 (BIOTIN- AND THIAMINE-RESPONSIVE TYPE); Thiamine metabolism dysfunction syndrome type 2; Thiamine metabolism dysfunction syndrome 2 (biotin- or thiamine-responsive encephalopathy type 2); thiamine-responsive encephalopathy. Identifiers: Orphanet 199348, Orphanet 65284, MedGen C1843807, MONDO:0011841, OMIM 607483.

Allele frequency attached by ClinVar (database versions not stated): gnomAD 0.07537 and 0.08003; TOPMed 0.08459; 1000 Genomes Project 0.08826; 1000 Genomes Project 30x 0.09916; gnomAD exomes 0.01613.

Submissions (2):

Illumina Laboratory Services, Illumina
Classification: Benign for Biotin-responsive basal ganglia disease. Last evaluated: 2018-01-12. Review status: criteria provided, single submitter. Criteria: ICSL Variant Classification Criteria 13 December 2019. Collection method: clinical testing. Allele origin: germline.
Comment: This variant was observed in the ICSL laboratory as part of a predisposition screen in an ostensibly healthy population. It had not been previously curated by ICSL or reported in the Human Gene Mutation Database (HGMD: prior to June 1st, 2018), and was therefore a candidate for classification through an automated scoring system. Utilizing variant allele frequency, disease prevalence and penetrance estimates, and inheritance mode, an automated score was calculated to assess if this variant is too frequent to cause the disease. Based on the score and internal cut-off values, a variant classified as benign is not then subjected to further curation. The score for this variant resulted in a classification of benign for this disease.

Breakthrough Genomics
Classification: Benign. Review status: criteria provided, single submitter. Criteria: ACMG Guidelines, 2015. Collection method: not provided. Allele origin: germline. Inheritance: Autosomal recessive inheritance. Affected: yes.